The following is an entry in ClinVar:

NM_005787.6(ALG3):c.985C>G (p.Pro329Ala)

Gene: ALG3 (ALG3 alpha-1,3- mannosyltransferase; minus strand). Cytogenetic location: 3q27.1.
Variant type: single nucleotide variant.
Coding change: c.985C>G on transcript NM_005787.6 (MANE Select); coding-DNA position 985, C replaced by G.
Protein change: p.Pro329Ala; replaces proline 329 with alanine.
Molecular consequence: missense variant. On other transcripts: non-coding transcript variant (2).
Genome position (GRCh38, 1-based): chr3:184,243,578, G>C on the plus strand (C>G on the coding strand, the complement: ALG3 is on the minus strand). VCF-style: chr3-184243578-G-C. GRCh37 (hg19) VCF-style: chr3-183961366-G-C.
Other names: c.841C>G, p.Pro281Ala (NM_001006941.2); short protein forms P281A, P329A.
Identifiers: ClinVar variation 1310928 (VCV001310928.3), dbSNP rs751758378, ClinGen allele CA2729365.

ClinVar aggregate classification (germline): Uncertain significance. Review status: criteria provided, multiple submitters, no conflicts (2 of 4 stars). 2 submissions from 2 submitters: Uncertain significance (2). Last evaluated 2022-01-19.

Conditions:
ALG3-congenital disorder of glycosylation. Also called: CDG Id; CARBOHYDRATE-DEFICIENT GLYCOPROTEIN SYNDROME, TYPE IV; CDGS, TYPE IV; CONGENITAL DISORDER OF GLYCOSYLATION, TYPE Id; ALG3-CDG. Identifiers: Orphanet 79321, MedGen C1832736, MONDO:0010998, OMIM 601110.

gnomAD v4.1: 29 of 1,613,756 alleles (0.0018%); highest among the groups gnomAD compares: South Asian, 0.031%; no homozygotes.

Submissions (2):

Baylor Genetics
Classification: Uncertain significance for ALG3-congenital disorder of glycosylation. Last evaluated: 2022-01-19. Review status: criteria provided, single submitter. Criteria: ACMG Guidelines, 2015. Collection method: clinical testing. Allele origin: unknown.

GeneDx
Classification: Uncertain significance. Last evaluated: 2019-12-05. Review status: criteria provided, single submitter. Criteria: GeneDx Variant Classification Process June 2021. Collection method: clinical testing. Allele origin: germline. Affected: yes.
Comment: In silico analysis, which includes protein predictors and evolutionary conservation, supports that this variant does not alter protein structure/function; Has not been previously published as pathogenic or benign to our knowledge; In-silico analysis, which includes splice predictors and evolutionary conservation, is inconclusive as to whether the variant alters gene splicing. In the absence of RNA/functional studies, the actual effect of this sequence change is unknown.